The following is an entry in ClinVar:

ClinVar aggregate classification (germline): Uncertain significance (0 of 4 stars; one submission).

Conditions:
PLXNA2-related disorder. Also called: PLXNA2-related condition.

Submission:

PreventionGenetics, part of Exact Sciences
Classification: Uncertain significance for PLXNA2-related condition. Last evaluated: 2024-01-11. Review status: no assertion criteria provided. Collection method: clinical testing. Allele origin: germline.
Comment: The PLXNA2 c.92delC variant is predicted to result in a frameshift and premature protein termination (p.Pro31Glnfs*23). To our knowledge, this variant has not been reported in the literature or in a large population database, indicating this variant is rare. At this time, the clinical significance of this variant is uncertain due to the absence of conclusive functional and genetic evidence.

NM_025179.4(PLXNA2):c.92del (p.Pro31fs)

Gene: PLXNA2 (plexin A2; minus strand). Cytogenetic location: 1q32.2.
Variant type: Deletion.
Coding change: c.92del on transcript NM_025179.4 (MANE Select); coding-DNA position 92, one base deleted (C; older notation c.92delC).
Protein change: p.Pro31fs; shifts the reading frame from proline 31.
Molecular consequence: frameshift variant.
Genome position (GRCh38, 1-based): chr1:208,217,831, G deleted on the plus strand (C on the coding strand, the reverse complement: PLXNA2 is on the minus strand); the first of 7 consecutive G bases (chr1:208,217,831-208,217,837); deleting any one gives the same sequence. VCF-style (leftmost placement, unchanged base first): chr1-208217830-TG-T. GRCh37 (hg19) VCF-style: chr1-208391175-TG-T.
Other names: short protein forms P31fs.
Identifiers: ClinVar variation 3358804 (VCV003358804.1).